The following is an entry in ClinVar:

NM_000057.4(BLM):c.2291_2292del (p.Tyr764fs)

Gene: BLM (BLM RecQ like helicase; plus strand). Cytogenetic location: 15q26.1.
Variant type: Microsatellite.
Coding change: c.2291_2292del on transcript NM_000057.4 (MANE Select); coding-DNA positions 2291 to 2292, 2 bases deleted (AT; older notation c.2291_2292delAT).
Protein change: p.Tyr764fs; shifts the reading frame from tyrosine 764.
Molecular consequence: frameshift variant.
Genome position (GRCh38, 1-based): chr15:90,767,007-90,767,008, AT deleted; deleting any 2 consecutive bases within chr15:90,767,004-90,767,008 gives the same sequence; the c. name uses the placement nearest the transcript's 3' end. VCF-style (leftmost placement, unchanged base first): chr15-90767003-CTA-C. GRCh37 (hg19) VCF-style: chr15-91310233-CTA-C.
Other names: c.2291_2292del, p.Tyr764fs (NM_001287246.2, NM_001287247.2); c.1166_1167del, p.Tyr389fs (NM_001287248.2); c.2291_2292delAT (NM_000057.4); short protein forms Y389fs, Y764fs.
Identifiers: ClinVar variation 557764 (VCV000557764.16), dbSNP rs1555420602, ClinGen allele CA658824622.

ClinVar aggregate classification (germline): Pathogenic/Likely pathogenic. Review status: criteria provided, multiple submitters, no conflicts (2 of 4 stars). 6 submissions from 6 submitters: Pathogenic (3); Likely pathogenic (2). 1 of the submissions does not count toward it. Last evaluated 2026-06-22.

Conditions:
Hereditary cancer-predisposing syndrome. Also called: Neoplastic Syndromes, Hereditary; Hereditary Cancer Syndrome; Hereditary neoplastic syndrome; Tumor predisposition. Identifiers: Orphanet 140162, MedGen C0027672, MeSH D009386, MONDO:0015356.
Bloom syndrome (BLM). Also called: Bloom-Torre-Machacek syndrome. Identifiers: Orphanet 125, MedGen C0005859, MONDO:0008876, OMIM 210900.

Submissions (6):

Women's Health and Genetics/Laboratory Corporation of America, LabCorp
Classification: Pathogenic for Bloom syndrome. Last evaluated: 2026-06-22. Review status: criteria provided, single submitter. Criteria: LabCorp Variant Classification Summary - May 2015. Collection method: clinical testing. Allele origin: germline.
Comment: Variant summary: BLM c.2291_2292delAT (p.Tyr764CysfsX10) results in a premature termination codon, predicted to cause a truncation of the encoded protein or absence of the protein due to nonsense mediated decay, which are commonly known mechanisms for disease. Loss-of-function variants in this gene are known to be pathogenic. The variant was absent in 247944 control chromosomes. To our knowledge, no occurrence of c.2291_2292delAT in individuals affected with BLM-related conditions and no experimental evidence demonstrating its impact on protein function have been reported. ClinVar contains an entry for this variant (Variation ID: 557764). Based on the evidence outlined above, the variant was classified as pathogenic.

Labcorp Genetics (formerly Invitae), Labcorp
Classification: Pathogenic for Bloom syndrome. Last evaluated: 2025-06-09. Review status: criteria provided, single submitter. Criteria: Invitae Variant Classification Sherloc (09022015). Collection method: clinical testing. Allele origin: germline.
Comment: This sequence change creates a premature translational stop signal (p.Tyr764Cysfs*10) in the BLM gene. It is expected to result in an absent or disrupted protein product. Loss-of-function variants in BLM are known to be pathogenic (PMID: 17407155). This variant is not present in population databases (gnomAD no frequency). This variant has not been reported in the literature in individuals affected with BLM-related conditions. For these reasons, this variant has been classified as Pathogenic.

Natera, Inc.
Classification: Likely pathogenic for Bloom syndrome. Last evaluated: 2024-06-07. Review status: criteria provided, single submitter. Criteria: Natera Variant Classification Schema (03/2026). Collection method: clinical testing. Allele origin: germline.
Comment: The c.2291_2292delAT variant in BLM is a frameshift variant predicted to shift the reading frame beginning at codon 764 and leads to a stop codon 10 codons downstream. This variant is expected to result in nonsense mediated decay, truncation, or a dysfunctional protein product. This variant is rare in the general population with a frequency below the threshold expected for the associated phenotype(s). Given the available evidence, this variant is classified as Likely Pathogenic.

Baylor Genetics
Classification: Likely pathogenic for Bloom syndrome. Last evaluated: 2023-09-28. Review status: criteria provided, single submitter. Criteria: ACMG Guidelines, 2015. Collection method: clinical testing. Allele origin: unknown.

Ambry Genetics
Classification: Pathogenic for Hereditary cancer-predisposing syndrome. Last evaluated: 2019-05-31. Review status: criteria provided, single submitter. Criteria: Ambry Variant Classification Scheme 2023. Collection method: clinical testing. Allele origin: germline.
Comment: The c.2291_2292delAT pathogenic mutation, located in coding exon 9 of the BLM gene, results from a deletion of two nucleotides at nucleotide positions 2291 to 2292, causing a translational frameshift with a predicted alternate stop codon (p.Y764Cfs*10). This alteration is expected to result in loss of function by premature protein truncation or nonsense-mediated mRNA decay. As such, this alteration is interpreted as a disease-causing mutation.

Counsyl
Classification: Likely pathogenic for Bloom syndrome. Last evaluated: 2018-04-06. Review status: no assertion criteria provided. Collection method: clinical testing. Allele origin: unknown. Not counted in ClinVar's aggregate classification.

Literature cited by the submitters: PubMed 17407155 (cited by Labcorp Genetics (formerly Invitae), Labcorp).